The following is an entry in ClinVar:

ClinVar aggregate classification (germline): Uncertain significance (1 of 4 stars; one submission).

Conditions:
Arrhythmogenic right ventricular dysplasia 8 (ARVD8). Also called: ARRHYTHMOGENIC RIGHT VENTRICULAR CARDIOMYOPATHY 8; Arrhythmogenic Right Ventricular Dysplasia/Cardiomyopathy 8; ARRHYTHMOGENIC RIGHT VENTRICULAR DYSPLASIA, FAMILIAL, 8. Identifiers: MedGen C1843896, MONDO:0011831, OMIM 607450.
Arrhythmogenic cardiomyopathy with wooly hair and keratoderma. Also called: PALMOPLANTAR KERATODERMA WITH LEFT VENTRICULAR CARDIOMYOPATHY AND WOOLLY HAIR; Arrhythmogenic cardiomyopathy with woolly hair and keratoderma; Carvajal syndrome; Dilated cardiomyopathy with woolly hair and keratoderma. Identifiers: Orphanet 65282, MedGen C1854063, MONDO:0011581, OMIM 605676.

gnomAD v4.1: 1 of 1,609,450 alleles (0.000062%); highest among the groups gnomAD compares: Non-Finnish European, 0.000085%; no homozygotes.

Submission:

Labcorp Genetics (formerly Invitae), Labcorp
Classification: Uncertain significance for Arrhythmogenic cardiomyopathy with wooly hair and keratoderma; Arrhythmogenic right ventricular dysplasia 8. Last evaluated: 2022-07-06. Review status: criteria provided, single submitter. Criteria: Invitae Variant Classification Sherloc (09022015). Collection method: clinical testing. Allele origin: germline.
Comment: This variant has not been reported in the literature in individuals affected with DSP-related conditions. In summary, the available evidence is currently insufficient to determine the role of this variant in disease. Therefore, it has been classified as a Variant of Uncertain Significance. Algorithms developed to predict the effect of missense changes on protein structure and function are either unavailable or do not agree on the potential impact of this missense change (SIFT: "Deleterious"; PolyPhen-2: "Probably Damaging"; Align-GVGD: "Class C0"). This variant is not present in population databases (gnomAD no frequency). This sequence change replaces serine, which is neutral and polar, with phenylalanine, which is neutral and non-polar, at codon 7 of the DSP protein (p.Ser7Phe).

NM_004415.4(DSP):c.20C>T (p.Ser7Phe)

Genes: DSP (desmoplakin; plus strand), DSP-AS1 (DSP antisense RNA 1; minus strand). Cytogenetic location: 6p24.3.
Variant type: single nucleotide variant.
Coding change: c.20C>T on transcript NM_004415.4 (MANE Select); coding-DNA position 20, C replaced by T.
Protein change: p.Ser7Phe; replaces serine 7 with phenylalanine.
Molecular consequence: missense variant.
Genome position (GRCh38, 1-based): chr6:7,541,935, C>T. VCF-style: chr6-7541935-C-T. GRCh37 (hg19) VCF-style: chr6-7542168-C-T.
Other names: c.20C>T, p.Ser7Phe (NM_001008844.3, NM_001319034.2, NM_001406591.1); short protein forms S7F.
Identifiers: ClinVar variation 2001915 (VCV002001915.4), dbSNP rs2533800246, ClinGen allele CA362675469.